The following is an entry in ClinVar:

NM_000466.3(PEX1):c.3062G>A (p.Ser1021Asn)

Genes: PEX1 (peroxisomal biogenesis factor 1; minus strand), GATAD1 (GATA zinc finger domain containing 1; plus strand). Cytogenetic location: 7q21.2.
Variant type: single nucleotide variant.
Coding change: c.3062G>A on transcript NM_000466.3 (MANE Select); coding-DNA position 3062, G replaced by A.
Protein change: p.Ser1021Asn; replaces serine 1021 with asparagine.
Molecular consequence: missense variant.
Genome position (GRCh38, 1-based): chr7:92,493,098, C>T on the plus strand (G>A on the coding strand, the complement: PEX1 is on the minus strand). VCF-style: chr7-92493098-C-T. GRCh37 (hg19) VCF-style: chr7-92122412-C-T.
Other names: c.2891G>A, p.Ser964Asn (NM_001282677.2); c.2438G>A, p.Ser813Asn (NM_001282678.2); short protein forms S1021N, S964N, S813N.
Identifiers: ClinVar variation 594544 (VCV000594544.12), dbSNP rs1330798276, ClinGen allele CA368166938.

ClinVar aggregate classification (germline): Uncertain significance. Review status: criteria provided, multiple submitters, no conflicts (2 of 4 stars). 2 submissions from 2 submitters: Uncertain significance (2). Last evaluated 2021-09-01.

Conditions:
Zellweger spectrum disorders (ZS). Also called: Zellweger Spectrum Disorder; Zellweger Spectrum; Zellweger Spectrum Disorder (ZSD); Zellweger syndrome. Identifiers: Orphanet 912, MedGen C0043459, MONDO:0019609.

Allele frequency attached by ClinVar (database versions not stated): gnomAD exomes below 0.00001.
gnomAD v4.1: 1 of 1,608,634 alleles (0.000062%); highest among the groups gnomAD compares: Non-Finnish European, 0.000085%; no homozygotes.

Submissions (2):

Labcorp Genetics (formerly Invitae), Labcorp
Classification: Uncertain significance for Zellweger spectrum disorders. Last evaluated: 2021-09-01. Review status: criteria provided, single submitter. Criteria: Invitae Variant Classification Sherloc (09022015). Collection method: clinical testing. Allele origin: germline.
Comment: This sequence change replaces serine with asparagine at codon 1021 of the PEX1 protein (p.Ser1021Asn). The serine residue is highly conserved and there is a small physicochemical difference between serine and asparagine. This variant is not present in population databases (ExAC no frequency). This variant has not been reported in the literature in individuals affected with PEX1-related conditions. Algorithms developed to predict the effect of missense changes on protein structure and function are either unavailable or do not agree on the potential impact of this missense change (SIFT: "Tolerated"; PolyPhen-2: "Possibly Damaging"; Align-GVGD: "Class C0"). In summary, the available evidence is currently insufficient to determine the role of this variant in disease. Therefore, it has been classified as a Variant of Uncertain Significance.

Eurofins Ntd Llc (ga)
Classification: Uncertain significance. Last evaluated: 2017-10-13. Review status: criteria provided, single submitter. Criteria: EGL Classification Definitions 2015. Collection method: clinical testing. Allele origin: germline. Observed: 1 variant allele, 1 heterozygote.